The following is an entry in ClinVar:

NM_000044.6(AR):c.358C>G (p.Gln120Glu)

Gene: AR (androgen receptor; plus strand). Cytogenetic location: Xq12.
Variant type: single nucleotide variant.
Coding change: c.358C>G on transcript NM_000044.6 (MANE Select); coding-DNA position 358, C replaced by G.
Protein change: p.Gln120Glu; replaces glutamine 120 with glutamic acid.
Molecular consequence: missense variant. On other transcripts: 5 prime UTR variant (1).
Genome position (GRCh38, 1-based): chrX:67,545,504, C>G. VCF-style: chrX-67545504-C-G. GRCh37 (hg19) VCF-style: chrX-66765346-C-G.
Other names: c.-1426C>G (NM_001011645.3); c.358C>G, p.Gln120Glu (NM_001348061.1, NM_001348063.1, NM_001348064.1); short protein forms Q120E.
Identifiers: ClinVar variation 4887509 (VCV004887509.1).

ClinVar aggregate classification (germline): Uncertain significance (1 of 4 stars; one submission).

gnomAD v4.1: 7 of 1,194,477 alleles (0.00059%); highest among the groups gnomAD compares: Non-Finnish European, 0.00079%; no homozygotes.

Submission:

Women's Health and Genetics/Laboratory Corporation of America, LabCorp
Classification: Uncertain significance. Last evaluated: 2026-06-04. Review status: criteria provided, single submitter. Criteria: LabCorp Variant Classification Summary - May 2015. Collection method: clinical testing. Allele origin: germline.
Comment: Variant summary: AR c.358C>G (p.Gln120Glu) results in a conservative amino acid change in the encoded protein sequence. Algorithms developed to predict the effect of missense changes on protein structure and function are either unavailable or do not agree on the potential impact of this missense change. The variant was absent in 145561 control chromosomes. The available data on variant occurrences in the general population are insufficient to allow any conclusion about variant significance. c.358C>G has been observed in individual(s) affected with AR-related conditions without evidence for causality (Tadokoro-Cuccaro_2014). These report(s) do not provide unequivocal conclusions about association of the variant with disease. At least one publication reports experimental evidence evaluating an impact on protein function (Tadokoro-Cuccaro_2014). The most pronounced variant effect results in >50%-90% of normal activity. The following publication have been ascertained in the context of this evaluation (PMID: 25500996). No submitters have cited clinical-significance assessments for this variant to ClinVar. Based on the evidence outlined above, the variant was classified as uncertain significance.

Literature cited by the submitters: PubMed 25500996.